The following is an entry in ClinVar:

ClinVar aggregate classification (germline): Uncertain significance. Review status: criteria provided, multiple submitters, no conflicts (2 of 4 stars). 2 submissions from 2 submitters: Uncertain significance (2). Last evaluated 2023-01-07.

Conditions:
DICER1-related tumor predisposition. Also called: DICER1 syndrome; DICER1-related pleuropulmonary blastoma cancer predisposition syndrome. Identifiers: Orphanet 284343, MedGen C3839822, MONDO:0100216.
Hereditary cancer-predisposing syndrome. Also called: Hereditary Cancer Syndrome; Hereditary neoplastic syndrome; Neoplastic Syndromes, Hereditary; Tumor predisposition. Identifiers: Orphanet 140162, MedGen C0027672, MeSH D009386, MONDO:0015356.

Submissions (2):

Labcorp Genetics (formerly Invitae), Labcorp
Classification: Uncertain significance for DICER1-related tumor predisposition. Last evaluated: 2023-01-07. Review status: criteria provided, single submitter. Criteria: Invitae Variant Classification Sherloc (09022015). Collection method: clinical testing. Allele origin: germline.
Comment: This variant is not present in population databases (gnomAD no frequency). This sequence change replaces serine, which is neutral and polar, with threonine, which is neutral and polar, at codon 1026 of the DICER1 protein (p.Ser1026Thr). This variant has not been reported in the literature in individuals affected with DICER1-related conditions. In summary, the available evidence is currently insufficient to determine the role of this variant in disease. Therefore, it has been classified as a Variant of Uncertain Significance. Advanced modeling of protein sequence and biophysical properties (such as structural, functional, and spatial information, amino acid conservation, physicochemical variation, residue mobility, and thermodynamic stability) performed at Invitae indicates that this missense variant is not expected to disrupt DICER1 protein function. ClinVar contains an entry for this variant (Variation ID: 1727321).

Ambry Genetics
Classification: Uncertain significance for Hereditary cancer-predisposing syndrome. Last evaluated: 2022-09-16. Review status: criteria provided, single submitter. Criteria: Ambry Variant Classification Scheme 2023. Collection method: clinical testing. Allele origin: germline.
Comment: The p.S1026T variant (also known as c.3077G>C), located in coding exon 18 of the DICER1 gene, results from a G to C substitution at nucleotide position 3077. The serine at codon 1026 is replaced by threonine, an amino acid with similar properties. This amino acid position is conserved. In addition, this alteration is predicted to be tolerated by in silico analysis. Since supporting evidence is limited at this time, the clinical significance of this alteration remains unclear.

NM_177438.3(DICER1):c.3077G>C (p.Ser1026Thr)

Gene: DICER1 (dicer 1, ribonuclease III; minus strand). Cytogenetic location: 14q32.13.
Variant type: single nucleotide variant.
Coding change: c.3077G>C on transcript NM_177438.3 (MANE Select); coding-DNA position 3077, G replaced by C.
Protein change: p.Ser1026Thr; replaces serine 1026 with threonine.
Molecular consequence: missense variant. On other transcripts: non-coding transcript variant (6).
Genome position (GRCh38, 1-based): chr14:95,105,694, C>G on the plus strand (G>C on the coding strand, the complement: DICER1 is on the minus strand). VCF-style: chr14-95105694-C-G. GRCh37 (hg19) VCF-style: chr14-95572031-C-G.
Other names: c.3077G>C, p.Ser1026Thr (NM_001195573.1, NM_001271282.3, NM_001291628.2 and 13 more transcripts); c.2795G>C, p.Ser932Thr (NM_001395686.1); c.2672G>C, p.Ser891Thr (NM_001395687.1, NM_001395688.1, NM_001395689.1 and 2 more transcripts); c.2510G>C, p.Ser837Thr (NM_001395691.1); c.1394G>C, p.Ser465Thr (NM_001395697.1); short protein forms S1026T, S465T, S837T, S932T, S891T.
Identifiers: ClinVar variation 1727321 (VCV001727321.5), dbSNP rs1891354481, ClinGen allele CA390877985.